The following is an entry in ClinVar:

NM_001256007.3(PNPLA8):c.2292T>C (p.Asp764=)

Gene: PNPLA8 (patatin like domain 8, phospholipase A2; minus strand). Cytogenetic location: 7q31.1.
Variant type: single nucleotide variant.
Coding change: c.2292T>C on transcript NM_001256007.3 (MANE Select); coding-DNA position 2292, T replaced by C.
Protein change: p.Asp764=; no amino-acid change (aspartic acid 764 retained).
Molecular consequence: synonymous variant.
Genome position (GRCh38, 1-based): chr7:108,472,458, A>G on the plus strand (T>C on the coding strand, the complement: PNPLA8 is on the minus strand). VCF-style: chr7-108472458-A-G. GRCh37 (hg19) VCF-style: chr7-108112902-A-G.
Other names: p.Asp764=; c.2292T>C, p.Asp764= (NM_001256008.3, NM_015723.5); c.2106T>C, p.Asp702= (NM_001256009.3); c.1992T>C, p.Asp664= (NM_001256010.3, NM_001256011.3).
Identifiers: ClinVar variation 782747 (VCV000782747.38), dbSNP rs141467024, ClinGen allele CA4439348.

ClinVar aggregate classification (germline): Benign/Likely benign. Review status: criteria provided, multiple submitters, no conflicts (2 of 4 stars). 4 submissions from 4 submitters: Benign (2); Likely benign (2). Last evaluated 2026-09-01.

Conditions:
PNPLA8-related disorder. Also called: PNPLA8-related condition.

Allele frequency attached by ClinVar (database versions not stated): 1000 Genomes Project 0.00060; 1000 Genomes Project 30x 0.00094; gnomAD exomes 0.00206 and 0.00415; ExAC 0.00207; TOPMed 0.00234; gnomAD 0.00246 and 0.00247; ESP Exome Variant Server 0.00315.
gnomAD v4.1: 6,356 of 1,597,154 alleles (0.4%); highest among the groups gnomAD compares: Non-Finnish European, 0.49%; 22 homozygotes.

Submissions (4):

CeGaT Center for Human Genetics Tuebingen
Classification: Likely benign. Last evaluated: 2026-09-01. Review status: criteria provided, single submitter. Criteria: CeGaT Center For Human Genetics Tuebingen Variant Classification Criteria Version 2. Collection method: clinical testing. Allele origin: germline. Affected: yes. Observed: 6 variant alleles.
Comment: PNPLA8: BP4, BP7, BS2

Labcorp Genetics (formerly Invitae), Labcorp
Classification: Benign. Last evaluated: 2026-02-01. Review status: criteria provided, single submitter. Criteria: Invitae Variant Classification Sherloc (09022015). Collection method: clinical testing. Allele origin: germline.

PreventionGenetics, part of Exact Sciences
Classification: Likely benign for PNPLA8-related condition. Last evaluated: 2025-03-11. Review status: criteria provided, single submitter. Criteria: ACMG Guidelines, 2015. Collection method: clinical testing. Allele origin: germline.
Comment: This variant is classified as likely benign based on ACMG/AMP sequence variant interpretation guidelines (Richards et al. 2015 PMID: 25741868, with internal and published modifications).

Mayo Clinic Laboratories, Mayo Clinic
Classification: Benign. Last evaluated: 2024-04-24. Review status: criteria provided, single submitter. Criteria: ACMG Guidelines, 2015. Collection method: clinical testing. Allele origin: germline. Observed: 9 variant alleles.
Comment: BS1, BS2, BP4, BP7